The following is an entry in ClinVar:

ClinVar aggregate classification (germline): Uncertain significance (1 of 4 stars; one submission).

Conditions:
Inborn genetic diseases. Identifiers: MedGen C0950123, MeSH D030342.

Allele frequency attached by ClinVar (database versions not stated): ExAC 0.00001.

Submission:

Ambry Genetics
Classification: Uncertain significance for Inborn genetic diseases. Last evaluated: 2021-04-20. Review status: criteria provided, single submitter. Criteria: Ambry Variant Classification Scheme 2023. Collection method: clinical testing. Allele origin: germline.
Comment: The c.3875A>G (p.H1292R) alteration is located in exon 32 (coding exon 32) of the CPS1 gene. This alteration results from a A to G substitution at nucleotide position 3875, causing the histidine (H) at amino acid position 1292 to be replaced by an arginine (R). The p.H1292R alteration is predicted to be tolerated by in silico analysis. Based on insufficient or conflicting evidence, the clinical significance of this alteration remains unclear.

NM_001875.5(CPS1):c.3875A>G (p.His1292Arg)

Gene: CPS1 (carbamoyl-phosphate synthase 1; plus strand). Cytogenetic location: 2q34.
Variant type: single nucleotide variant.
Coding change: c.3875A>G on transcript NM_001875.5 (MANE Select); coding-DNA position 3875, A replaced by G.
Protein change: p.His1292Arg; replaces histidine 1292 with arginine.
Molecular consequence: missense variant. On other transcripts: non-coding transcript variant (2).
Genome position (GRCh38, 1-based): chr2:210,660,603, A>G. VCF-style: chr2-210660603-A-G. GRCh37 (hg19) VCF-style: chr2-211525327-A-G.
Other names: c.3875A>G, p.His1292Arg (NM_001122633.3, NM_001369257.1); c.3908A>G, p.His1303Arg (NM_001369256.1); short protein forms H1292R, H1303R.
Identifiers: ClinVar variation 2230337 (VCV002230337.2), dbSNP rs780309812, ClinGen allele CA2087095.